The following is an entry in ClinVar:

NM_001966.4(EHHADH):c.118G>A (p.Val40Ile)

Gene: EHHADH (enoyl-CoA hydratase and 3-hydroxyacyl CoA dehydrogenase; minus strand). Cytogenetic location: 3q27.2.
Variant type: single nucleotide variant.
Coding change: c.118G>A on transcript NM_001966.4 (MANE Select); coding-DNA position 118, G replaced by A.
Protein change: p.Val40Ile; replaces valine 40 with isoleucine.
Molecular consequence: missense variant. On other transcripts: 5 prime UTR variant (1).
Genome position (GRCh38, 1-based): chr3:185,248,474, C>T on the plus strand (G>A on the coding strand, the complement: EHHADH is on the minus strand). VCF-style: chr3-185248474-C-T. GRCh37 (hg19) VCF-style: chr3-184966262-C-T.
Other names: c.-171G>A (NM_001166415.2); short protein forms V40I.
Identifiers: ClinVar variation 3056868 (VCV003056868.4), dbSNP rs750381948, ClinGen allele CA2739320.
Genomic context (GRCh38, chr3:185,248,474, plus strand): 5'-CTGCAGAAAATTTGCCCTCTGCTCCACAAATCACAATGGCTTTTATTGTATGGTCTATTA[C>T]AGCTTTCTGTAGTCCTTCTTTTATGTCACGGAGTAAAGTCGTACTAAAAGAAAACAAAAT-3'
Protein context (NP_001957.2, residues 30-50): RDIKEGLQKA[Val40Ile]IDHTIKAIVI

ClinVar aggregate classification (germline): Uncertain significance. Review status: criteria provided, multiple submitters, no conflicts (2 of 4 stars). 2 submissions from 2 submitters: Uncertain significance (2). Last evaluated 2025-10-23.

Conditions:
EHHADH-related disorder. Also called: EHHADH-related condition.

Allele frequency attached by ClinVar (database versions not stated): gnomAD exomes below 0.00001; ExAC 0.00001; TOPMed 0.00002; gnomAD 0.00003.
gnomAD v4.1: 10 of 1,614,080 alleles (0.00062%); highest among the groups gnomAD compares: African/African-American, 0.011%; no homozygotes.

Submissions (2):

Ambry Genetics
Classification: Uncertain significance. Last evaluated: 2025-10-23. Review status: criteria provided, single submitter. Criteria: Ambry Variant Classification Scheme 2023. Collection method: clinical testing. Allele origin: germline.

PreventionGenetics, part of Exact Sciences
Classification: Uncertain significance for EHHADH-related condition. Last evaluated: 2024-10-24. Review status: criteria provided, single submitter. Criteria: ACMG Guidelines, 2015. Collection method: clinical testing. Allele origin: germline.
Comment: The EHHADH c.118G>A variant is predicted to result in the amino acid substitution p.Val40Ile. To our knowledge, this variant has not been reported in the literature. This variant is reported in 0.012% of alleles in individuals of African descent in gnomAD. Although we suspect that this variant may be benign, at this time, the clinical significance of this variant is uncertain due to the absence of conclusive functional and genetic evidence.